The following is an entry in ClinVar:

ClinVar aggregate classification (germline): Uncertain significance. Review status: criteria provided, multiple submitters, no conflicts (2 of 4 stars). 2 submissions from 2 submitters: Uncertain significance (2). Last evaluated 2023-10-22.

Allele frequency attached by ClinVar (database versions not stated): gnomAD 0.00001; TOPMed 0.00001.
gnomAD v4.1: 13 of 1,614,022 alleles (0.00081%); highest among the groups gnomAD compares: East Asian, 0.0045%; no homozygotes.

Submissions (2):

Labcorp Genetics (formerly Invitae), Labcorp
Classification: Uncertain significance. Last evaluated: 2023-10-22. Review status: criteria provided, single submitter. Criteria: Invitae Variant Classification Sherloc (09022015). Collection method: clinical testing. Allele origin: germline.
Comment: This sequence change replaces methionine, which is neutral and non-polar, with isoleucine, which is neutral and non-polar, at codon 773 of the DISP1 protein (p.Met773Ile). This variant is present in population databases (rs372615313, gnomAD 0.006%). This variant has not been reported in the literature in individuals affected with DISP1-related conditions. ClinVar contains an entry for this variant (Variation ID: 2220063). An algorithm developed to predict the effect of missense changes on protein structure and function (PolyPhen-2) suggests that this variant is likely to be disruptive. In summary, the available evidence is currently insufficient to determine the role of this variant in disease. Therefore, it has been classified as a Variant of Uncertain Significance.

Ambry Genetics
Classification: Uncertain significance. Last evaluated: 2022-12-12. Review status: criteria provided, single submitter. Criteria: Ambry Variant Classification Scheme 2023. Collection method: clinical testing. Allele origin: germline.

NM_001377229.1(DISP1):c.2319G>A (p.Met773Ile)

Gene: DISP1 (dispatched RND transporter family member 1; plus strand). Cytogenetic location: 1q41.
Variant type: single nucleotide variant.
Coding change: c.2319G>A on transcript NM_001377229.1 (MANE Select); coding-DNA position 2319, G replaced by A.
Protein change: p.Met773Ile; replaces methionine 773 with isoleucine.
Molecular consequence: missense variant.
Genome position (GRCh38, 1-based): chr1:223,003,716, G>A. VCF-style: chr1-223003716-G-A. GRCh37 (hg19) VCF-style: chr1-223177058-G-A.
Other names: c.1590G>A, p.Met530Ile (NM_001350630.2); c.2319G>A, p.Met773Ile (NM_001369594.1, NM_001377228.1, NM_032890.5); short protein forms M530I, M773I.
Identifiers: ClinVar variation 2220063 (VCV002220063.5), dbSNP rs372615313, ClinGen allele CA38408268.
Genomic context (GRCh38, chr1:223,003,716, plus strand): 5'-GGTGTTCCGGTCGTCCCATCCTTTTGAGCGTTATGATGCTGAATACAAAAAGCTTTTCAT[G>A]TTTGAACGTGTTCACCATGGCGAGGAGCTCCACATGCCCATCACAGTAATCTGGGGCGTG-3'
Protein context (NP_001364158.1, residues 763-783): RYDAEYKKLF[Met773Ile]FERVHHGEEL